The following is an entry in ClinVar:

NM_002049.4(GATA1):c.152G>A (p.Ser51Asn)

Gene: GATA1 (GATA binding protein 1; plus strand). Cytogenetic location: Xp11.23.
Variant type: single nucleotide variant.
Coding change: c.152G>A on transcript NM_002049.4 (MANE Select); coding-DNA position 152, G replaced by A.
Protein change: p.Ser51Asn; replaces serine 51 with asparagine.
Molecular consequence: missense variant.
Genome position (GRCh38, 1-based): chrX:48,791,261, G>A. VCF-style: chrX-48791261-G-A. GRCh37 (hg19) VCF-style: chrX-48649668-G-A.
Other names: short protein forms S51N.
Identifiers: ClinVar variation 837426 (VCV000837426.10), dbSNP rs2062674054, ClinGen allele CA412867086.
Genomic context (GRCh38, chrX:48,791,261, plus strand): 5'-GGGTTTTCTTCCCCTCTGGGCCTGAGGGCTTGGATGCAGCAGCTTCCTCCACTGCCCCGA[G>A]CACAGCCACCGCTGCAGCTGCGGCACTGGCCTACTACAGGGACGCTGAGGCCTACAGACA-3'
Protein context (NP_002040.1, residues 41-61): LDAAASSTAP[Ser51Asn]TATAAAAALA

ClinVar aggregate classification (germline): Uncertain significance (1 of 4 stars; one submission).

Conditions:
Diamond-Blackfan anemia. Also called: Blackfan Diamond syndrome; Aregenerative anemia chronic congenital; Red cell aplasia, pure hereditary; Congenital hypoplastic anemia; Aase syndrome. Identifiers: Orphanet 124, MedGen C1260899, MeSH D029503, MONDO:0015253, HP:0004810.
GATA binding protein 1 related thrombocytopenia with dyserythropoiesis. Also called: GATA1-Related Cytopenia; GATA1-Related X-Linked Cytopenia. Identifiers: MedGen C1845837, MONDO:0100089.

Submission:

Labcorp Genetics (formerly Invitae), Labcorp
Classification: Uncertain significance for GATA binding protein 1 related thrombocytopenia with dyserythropoiesis; Diamond-Blackfan anemia. Last evaluated: 2019-02-19. Review status: criteria provided, single submitter. Criteria: Invitae Variant Classification Sherloc (09022015). Collection method: clinical testing. Allele origin: germline.
Comment: This variant is not present in population databases (ExAC no frequency). This sequence change replaces serine with asparagine at codon 51 of the GATA1 protein (p.Ser51Asn). The serine residue is weakly conserved and there is a small physicochemical difference between serine and asparagine. This variant has not been reported in the literature in individuals with GATA1-related conditions. In summary, the available evidence is currently insufficient to determine the role of this variant in disease. Therefore, it has been classified as a Variant of Uncertain Significance. Algorithms developed to predict the effect of missense changes on protein structure and function output the following: SIFT: "Tolerated"; PolyPhen-2: "Benign"; Align-GVGD: "Class C0". The asparagine amino acid residue is found in multiple mammalian species, suggesting that this missense change does not adversely affect protein function. These predictions have not been confirmed by published functional studies and their clinical significance is uncertain.